The following is an entry in ClinVar:

NM_177972.3(TUB):c.170G>A (p.Arg57Gln)

Gene: TUB (TUB bipartite transcription factor; plus strand). Cytogenetic location: 11p15.4.
Variant type: single nucleotide variant.
Coding change: c.170G>A on transcript NM_177972.3 (MANE Select); coding-DNA position 170, G replaced by A.
Protein change: p.Arg57Gln; replaces arginine 57 with glutamine.
Molecular consequence: missense variant.
Genome position (GRCh38, 1-based): chr11:8,090,148, G>A. VCF-style: chr11-8090148-G-A. GRCh37 (hg19) VCF-style: chr11-8111695-G-A.
Other names: c.335G>A, p.Arg112Gln (NM_003320.5); c.335G>A (NM_003320.4); short protein forms R112Q, R57Q.
Identifiers: ClinVar variation 1364764 (VCV001364764.8), dbSNP rs141872276, ClinGen allele CA5870981.
Genomic context (GRCh38, chr11:8,090,148, plus strand): 5'-AGCAGAAGAAGAAGCGCCAGGAGCCCCTGATGGTGCAGGCCAATGCAGATGGGCGGCCCC[G>A]GAGCCGGCGGGCCCGGCAGTCAGAGGAACAAGCCCCCCTGGTGGAGTCCTACCTCAGCAG-3'
Protein context (NP_813977.1, residues 47-67): MVQANADGRP[Arg57Gln]SRRARQSEEQ

ClinVar aggregate classification (germline): Uncertain significance. Review status: criteria provided, multiple submitters, no conflicts (2 of 4 stars). 2 submissions from 2 submitters: Uncertain significance (2). Last evaluated 2026-06-27.

Conditions:
TUB-related disorder. Also called: TUB-related condition.

Allele frequency attached by ClinVar (database versions not stated): ExAC 0.00001; gnomAD 0.00001; gnomAD exomes 0.00002; ESP Exome Variant Server 0.00008.

Submissions (2):

PreventionGenetics, part of Exact Sciences
Classification: Uncertain significance for TUB-related condition. Last evaluated: 2026-06-27. Review status: criteria provided, single submitter. Criteria: ACMG Guidelines, 2015. Collection method: clinical testing. Allele origin: germline.
Comment: The TUB c.335G>A variant is predicted to result in the amino acid substitution p.Arg112Gln. To our knowledge, this variant has not been reported in the literature. This variant is reported in 0.011% of alleles in individuals of East Asian descent in gnomAD. At this time, the clinical significance of this variant is uncertain due to the absence of conclusive functional and genetic evidence.

Labcorp Genetics (formerly Invitae), Labcorp
Classification: Uncertain significance. Last evaluated: 2024-07-02. Review status: criteria provided, single submitter. Criteria: Invitae Variant Classification Sherloc (09022015). Collection method: clinical testing. Allele origin: germline.
Comment: This sequence change replaces arginine, which is basic and polar, with glutamine, which is neutral and polar, at codon 112 of the TUB protein (p.Arg112Gln). This variant is present in population databases (rs141872276, gnomAD 0.01%). This variant has not been reported in the literature in individuals affected with TUB-related conditions. ClinVar contains an entry for this variant (Variation ID: 1364764). An algorithm developed to predict the effect of missense changes on protein structure and function (PolyPhen-2) suggests that this variant is likely to be disruptive. In summary, the available evidence is currently insufficient to determine the role of this variant in disease. Therefore, it has been classified as a Variant of Uncertain Significance.